The following is an entry in ClinVar:

NM_001164277.2(SLC37A4):c.433A>G (p.Met145Val)

Gene: SLC37A4 (solute carrier family 37 member 4; minus strand). Cytogenetic location: 11q23.3.
Variant type: single nucleotide variant.
Coding change: c.433A>G on transcript NM_001164277.2 (MANE Select); coding-DNA position 433, A replaced by G.
Protein change: p.Met145Val; replaces methionine 145 with valine.
Molecular consequence: missense variant.
Genome position (GRCh38, 1-based): chr11:119,027,821, T>C on the plus strand (A>G on the coding strand, the complement: SLC37A4 is on the minus strand). VCF-style: chr11-119027821-T-C. GRCh37 (hg19) VCF-style: chr11-118898531-T-C.
Other names: c.433A>G, p.Met145Val (NM_001164278.2, NM_001164280.2, NM_001467.6); c.214A>G, p.Met72Val (NM_001164279.2); short protein forms M145V, M72V.
Identifiers: ClinVar variation 215176 (VCV000215176.9), dbSNP rs863224210, ClinGen allele CA324773.

ClinVar aggregate classification (germline): Uncertain significance. Review status: criteria provided, multiple submitters, no conflicts (2 of 4 stars). 5 submissions from 5 submitters: Uncertain significance (4). 1 of the submissions does not count toward it. Last evaluated 2024-12-19.

Conditions:
Congenital disorder of glycosylation, type IIw. Identifiers: MedGen C5561986, MONDO:0030437, OMIM 619525.
Glucose-6-phosphate transport defect (GSD1B). Also called: Glycogen Storage Disease Type Ib; GSD Ib. Identifiers: Orphanet 364, Orphanet 79259, MedGen C0268146, MONDO:0009288, OMIM 232220.
Phosphate transport defect (GSD1C). Also called: GLYCOGEN STORAGE DISEASE Ic; GSD Ic. Identifiers: Orphanet 364, Orphanet 79259, MedGen C0342749, OMIM 232240.

Allele frequency attached by ClinVar (database versions not stated): gnomAD exomes below 0.00001; gnomAD 0.00001; TOPMed 0.00001.

Submissions (5):

Genomic Medicine Center of Excellence, King Faisal Specialist Hospital and Research Centre
Classification: Uncertain significance for Congenital disorder of glycosylation, type IIw. Last evaluated: 2024-12-19. Review status: criteria provided, single submitter. Criteria: ACMG Guidelines, 2015. Collection method: clinical testing. Allele origin: germline.

Labcorp Genetics (formerly Invitae), Labcorp
Classification: Uncertain significance for Glucose-6-phosphate transport defect. Last evaluated: 2023-06-29. Review status: criteria provided, single submitter. Criteria: Invitae Variant Classification Sherloc (09022015). Collection method: clinical testing. Allele origin: germline.
Comment: This sequence change replaces methionine, which is neutral and non-polar, with valine, which is neutral and non-polar, at codon 145 of the SLC37A4 protein (p.Met145Val). This variant is not present in population databases (gnomAD no frequency). This variant has not been reported in the literature in individuals affected with SLC37A4-related conditions. ClinVar contains an entry for this variant (Variation ID: 215176). Advanced modeling of protein sequence and biophysical properties (such as structural, functional, and spatial information, amino acid conservation, physicochemical variation, residue mobility, and thermodynamic stability) performed at Invitae indicates that this missense variant is not expected to disrupt SLC37A4 protein function. In summary, the available evidence is currently insufficient to determine the role of this variant in disease. Therefore, it has been classified as a Variant of Uncertain Significance.

Fulgent Genetics
Classification: Uncertain significance for Glucose-6-phosphate transport defect; Phosphate transport defect; Congenital disorder of glycosylation, type IIw. Last evaluated: 2021-12-07. Review status: criteria provided, single submitter. Criteria: ACMG Guidelines, 2015. Collection method: clinical testing. Allele origin: unknown.

GeneDx
Classification: Uncertain significance. Last evaluated: 2014-03-18. Review status: criteria provided, single submitter. Criteria: GeneDx Variant Classification (06012015). Collection method: clinical testing. Allele origin: germline. Affected: yes.
Comment: c.433 A>G in exon 5 of the SLC37A4 gene (NM_001164277.1) The M145V variant in the SLC37A4 gene is of unknown significance. The M145V variant has not been published as a mutation, nor has it been reported as a benign polymorphism to our knowledge. SLC37A4 gene are associated with the autosomal recessive disorders glycogen storage disease types Ib and Ic.The M145V variant is a conservative amino acid substitution, which is not likely to impact secondary protein structure as these residues share similar properties. This substitution occurs at a position that is conserved across species. In silico analysis is inconsistent in its predictions as to whether or not the variant is damaging to the protein structure/function. Therefore, based on the currently available information, it is unclear whether this variant is a pathogenic mutation or a rare benign variant. The variant is found in MITONUC-MITOP panel(s).

Natera, Inc.
Classification: Uncertain significance for Glycogen storage disease type Ib. Last evaluated: 2020-08-18. Review status: no assertion criteria provided. Collection method: clinical testing. Allele origin: germline. Not counted in ClinVar's aggregate classification.